The following is an entry in ClinVar:

NM_152269.5(MTRFR):c.244G>T (p.Val82Leu)

Gene: MTRFR (mitochondrial translation release factor in rescue; plus strand). Cytogenetic location: 12q24.31.
Variant type: single nucleotide variant.
Coding change: c.244G>T on transcript NM_152269.5 (MANE Select); coding-DNA position 244, G replaced by T.
Protein change: p.Val82Leu; replaces valine 82 with leucine.
Molecular consequence: missense variant.
Genome position (GRCh38, 1-based): chr12:123,253,918, G>T. VCF-style: chr12-123253918-G-T. GRCh37 (hg19) VCF-style: chr12-123738465-G-T.
Other names: p.V82L:GTG>TTG; c.244G>T, p.Val82Leu (NM_001143905.2, NM_001194995.1); short protein forms V82L.
Identifiers: ClinVar variation 214193 (VCV000214193.2), dbSNP rs374311195, ClinGen allele CA321573.

ClinVar aggregate classification (germline): Uncertain significance (1 of 4 stars; one submission).

Allele frequency attached by ClinVar (database versions not stated): TOPMed below 0.00001.

Submission:

GeneDx
Classification: Uncertain significance. Last evaluated: 2014-10-03. Review status: criteria provided, single submitter. Criteria: GeneDx Variant Classification (06012015). Collection method: clinical testing. Allele origin: germline. Affected: yes.
Comment: p.Val82Leu (GTG>TTG): c.244 G>T in exon 2 of the C12ORF65 gene (NM_152269.4). The V82L variant has not been published as a mutation, nor has it been reported as a benign polymorphism to our knowledge. The V82L variant is a conservative amino acid substitution, which is not likely to impact secondary protein structure as these residues share similar properties. This substitution occurs at a position that is conserved across species. In silico analysis predicts this variant is probably damaging to the protein structure/function. Therefore, based on the currently available information, it is unclear whether this variant is a pathogenic mutation or a rare benign variant. The variant is found in MITONUC-MITOP panel(s).